The following is an entry in ClinVar:

ClinVar aggregate classification (germline): Uncertain significance. Review status: criteria provided, multiple submitters, no conflicts (2 of 4 stars). 2 submissions from 2 submitters: Uncertain significance (2). Last evaluated 2023-03-23.

Conditions:
Hereditary cancer-predisposing syndrome. Also called: Tumor predisposition; Neoplastic Syndromes, Hereditary; Hereditary neoplastic syndrome; Hereditary Cancer Syndrome. Identifiers: Orphanet 140162, MedGen C0027672, MeSH D009386, MONDO:0015356.

Allele frequency attached by ClinVar (database versions not stated): TOPMed 0.00001.

Submissions (2):

Ambry Genetics
Classification: Uncertain significance for Hereditary cancer-predisposing syndrome. Last evaluated: 2023-03-23. Review status: criteria provided, single submitter. Criteria: Ambry Variant Classification Scheme 2023. Collection method: clinical testing. Allele origin: germline.
Comment: The p.V86L variant (also known as c.256G>C), located in coding exon 2 of the NTHL1 gene, results from a G to C substitution at nucleotide position 256. The valine at codon 86 is replaced by leucine, an amino acid with highly similar properties. This amino acid position is conserved. In addition, this alteration is predicted to be tolerated by in silico analysis. Since supporting evidence is limited at this time, the clinical significance of this alteration remains unclear.

Labcorp Genetics (formerly Invitae), Labcorp
Classification: Uncertain significance. Last evaluated: 2022-02-20. Review status: criteria provided, single submitter. Criteria: Invitae Variant Classification Sherloc (09022015). Collection method: clinical testing. Allele origin: germline.
Comment: Algorithms developed to predict the effect of missense changes on protein structure and function are either unavailable or do not agree on the potential impact of this missense change (SIFT: "Not Available"; PolyPhen-2: "Benign"; Align-GVGD: "Not Available"). In summary, the available evidence is currently insufficient to determine the role of this variant in disease. Therefore, it has been classified as a Variant of Uncertain Significance. ClinVar contains an entry for this variant (Variation ID: 851600). This sequence change replaces valine, which is neutral and non-polar, with leucine, which is neutral and non-polar, at codon 86 of the NTHL1 protein (p.Val86Leu). This variant is present in population databases (no rsID available, gnomAD 0.007%). This variant has not been reported in the literature in individuals affected with NTHL1-related conditions.

NM_002528.7(NTHL1):c.232G>C (p.Val78Leu)

Gene: NTHL1 (nth like DNA glycosylase 1; minus strand). Cytogenetic location: 16p13.3.
Variant type: single nucleotide variant.
Coding change: c.232G>C on transcript NM_002528.7 (MANE Select); coding-DNA position 232, G replaced by C.
Protein change: p.Val78Leu; replaces valine 78 with leucine.
Molecular consequence: missense variant. On other transcripts: intron variant (1).
Genome position (GRCh38, 1-based): chr16:2,046,250, C>G on the plus strand (G>C on the coding strand, the complement: NTHL1 is on the minus strand). VCF-style: chr16-2046250-C-G. GRCh37 (hg19) VCF-style: chr16-2096251-C-G.
Other names: c.256G>C (NM_002528.5); c.232G>C, p.Val78Leu (NM_001318193.2); c.24+30G>C (NM_001318194.2); short protein forms V78L.
Identifiers: ClinVar variation 851600 (VCV000851600.11), dbSNP rs1319706073, ClinGen allele CA394297328.